The following is an entry in ClinVar:

NM_001148.6(ANK2):c.8936G>A (p.Gly2979Glu)

Gene: ANK2 (ankyrin 2; plus strand). Cytogenetic location: 4q26.
Variant type: single nucleotide variant.
Coding change: c.8936G>A on transcript NM_001148.6 (MANE Select); coding-DNA position 8936, G replaced by A.
Protein change: p.Gly2979Glu; replaces glycine 2979 with glutamic acid.
Molecular consequence: missense variant. On other transcripts: intron variant (68).
Genome position (GRCh38, 1-based): chr4:113,357,554, G>A. VCF-style: chr4-113357554-G-A. GRCh37 (hg19) VCF-style: chr4-114278710-G-A.
Other names: c.8702G>A, p.Gly2901Glu (NM_001386142.1); c.5336G>A, p.Gly1779Glu (NM_001386166.1); c.9077G>A, p.Gly3026Glu (NM_001386174.1); c.9053G>A, p.Gly3018Glu (NM_001386175.1); c.4412-3269G>A (NM_001386186.2, NM_001386148.2); c.4214-3269G>A (NM_001354269.3); c.4292-3269G>A (NM_001386187.2); c.4253-3269G>A (NM_001386147.1); and 35 more; short protein forms G2979E, G3018E, G1779E, G3026E, G2901E.
Identifiers: ClinVar variation 3678547 (VCV003678547.2).

ClinVar aggregate classification (germline): Uncertain significance (1 of 4 stars; one submission).

Conditions:
Long QT syndrome (LQTS). Identifiers: MedGen C0023976, MeSH D008133, MONDO:0002442. Disease mechanism: loss of function. Inheritance: Various modes of inheritance.

gnomAD v4.1: 4 of 1,613,966 alleles (0.00025%); highest among the groups gnomAD compares: Non-Finnish European, 0.00034%; no homozygotes.

Submission:

Labcorp Genetics (formerly Invitae), Labcorp
Classification: Uncertain significance for Long QT syndrome. Last evaluated: 2024-12-15. Review status: criteria provided, single submitter. Criteria: Invitae Variant Classification Sherloc (09022015). Collection method: clinical testing. Allele origin: germline.
Comment: This sequence change replaces glycine, which is neutral and non-polar, with glutamic acid, which is acidic and polar, at codon 2979 of the ANK2 protein (p.Gly2979Glu). This variant is present in population databases (no rsID available, gnomAD 0.007%). This variant has not been reported in the literature in individuals affected with ANK2-related conditions. An algorithm developed to predict the effect of missense changes on protein structure and function outputs the following: PolyPhen-2: "Benign". The glutamic acid amino acid residue is found in multiple mammalian species, which suggests that this missense change does not adversely affect protein function. In summary, the available evidence is currently insufficient to determine the role of this variant in disease. Therefore, it has been classified as a Variant of Uncertain Significance.